The following is an entry in ClinVar:

ClinVar aggregate classification (germline): Uncertain significance (1 of 4 stars; one submission).

Conditions:
Hereditary cancer-predisposing syndrome. Also called: Tumor predisposition; Neoplastic Syndromes, Hereditary; Hereditary Cancer Syndrome; Hereditary neoplastic syndrome. Identifiers: Orphanet 140162, MedGen C0027672, MeSH D009386, MONDO:0015356.

Submission:

Ambry Genetics
Classification: Uncertain significance for Hereditary cancer-predisposing syndrome. Last evaluated: 2025-01-14. Review status: criteria provided, single submitter. Criteria: Ambry Variant Classification Scheme 2023. Collection method: clinical testing. Allele origin: germline.
Comment: The p.K1182Q variant (also known as c.3544A>C), located in coding exon 15 of the APC gene, results from an A to C substitution at nucleotide position 3544. The lysine at codon 1182 is replaced by glutamine, an amino acid with similar properties. This amino acid position is conserved. In addition, in silico predictors for this gene do not accurately predict pathogenicity. Based on the available evidence, the clinical significance of this variant remains unclear.

NM_000038.6(APC):c.3544A>C (p.Lys1182Gln)

Gene: APC (APC regulator of Wnt signaling pathway; plus strand). Cytogenetic location: 5q22.2.
Variant type: single nucleotide variant.
Coding change: c.3544A>C on transcript NM_000038.6 (MANE Select); coding-DNA position 3544, A replaced by C.
Protein change: p.Lys1182Gln; replaces lysine 1182 with glutamine.
Molecular consequence: missense variant. On other transcripts: non-coding transcript variant (2).
Genome position (GRCh38, 1-based): chr5:112,839,138, A>C. VCF-style: chr5-112839138-A-C. GRCh37 (hg19) VCF-style: chr5-112174835-A-C.
Other names: c.3544A>C, p.Lys1182Gln (NM_001127510.3, NM_001354895.2, NM_001407450.1); c.3490A>C, p.Lys1164Gln (NM_001127511.3); c.3598A>C, p.Lys1200Gln (NM_001354896.2, NM_001407447.1, NM_001407448.1 and 1 more transcripts); c.3574A>C, p.Lys1192Gln (NM_001354897.2); c.3469A>C, p.Lys1157Gln (NM_001354898.2); c.3460A>C, p.Lys1154Gln (NM_001354899.2); c.3421A>C, p.Lys1141Gln (NM_001354900.2); c.3367A>C, p.Lys1123Gln (NM_001354901.2, NM_001407453.1); and 11 more; short protein forms K1022Q, K1056Q, K1099Q, K1182Q, K1210Q, K1053Q, K1154Q, K1157Q.
Identifiers: ClinVar variation 3881827 (VCV003881827.1).